The following is an entry in ClinVar:

ClinVar aggregate classification (germline): Likely benign. Review status: criteria provided, multiple submitters, no conflicts (2 of 4 stars). 4 submissions from 4 submitters: Likely benign (3). 1 of the submissions does not count toward it. Last evaluated 2026-01-27.

Conditions:
SON-related disorder. Also called: SON-related condition.

Allele frequency attached by ClinVar (database versions not stated): gnomAD exomes 0.00088; gnomAD 0.00643 and 0.00720; 1000 Genomes Project 0.05431; ESP Exome Variant Server 0.05435.

Submissions (4):

Labcorp Genetics (formerly Invitae), Labcorp
Classification: Likely benign. Last evaluated: 2026-01-27. Review status: criteria provided, single submitter. Criteria: Invitae Variant Classification Sherloc (09022015). Collection method: clinical testing. Allele origin: germline.

GeneDx
Classification: Likely benign. Last evaluated: 2018-10-10. Review status: criteria provided, single submitter. Criteria: GeneDx Variant Classification Process June 2021. Collection method: clinical testing. Allele origin: germline. Affected: yes.

Breakthrough Genomics
Classification: Likely benign. Review status: criteria provided, single submitter. Criteria: ACMG Guidelines, 2015. Collection method: not provided. Allele origin: germline. Inheritance: Autosomal dominant inheritance. Affected: yes.

PreventionGenetics, part of Exact Sciences
Classification: Benign for SON-related condition. Last evaluated: 2020-03-17. Review status: no assertion criteria provided. Collection method: clinical testing. Allele origin: germline. Not counted in ClinVar's aggregate classification.
Comment: This variant is classified as benign based on ACMG/AMP sequence variant interpretation guidelines (Richards et al. 2015 PMID: 25741868, with internal and published modifications).

NM_138927.4(SON):c.5931C>G (p.Arg1977=)

Gene: SON (SON DNA and RNA binding protein; plus strand). Cytogenetic location: 21q22.11.
Variant type: single nucleotide variant.
Coding change: c.5931C>G on transcript NM_138927.4 (MANE Select); coding-DNA position 5931, C replaced by G.
Protein change: p.Arg1977=; no amino-acid change (arginine 1977 retained).
Molecular consequence: synonymous variant. On other transcripts: non-coding transcript variant (1), intron variant (1).
Genome position (GRCh38, 1-based): chr21:33,555,162, C>G. VCF-style: chr21-33555162-C-G. GRCh37 (hg19) VCF-style: chr21-34927468-C-G.
Other names: c.5931C>G (NM_138927.2); c.5931C>G, p.Arg1977= (NM_001291411.2, NM_032195.3); c.245-1994C>G (NM_001291412.3).
Identifiers: ClinVar variation 712280 (VCV000712280.16), dbSNP rs150856507, ClinGen allele CA320154821.